The following is an entry in ClinVar:

NM_024665.7(TBL1XR1):c.*2G>C

Gene: TBL1XR1 (TBL1X/Y related 1; minus strand). Cytogenetic location: 3q26.32.
Variant type: single nucleotide variant.
Coding change: c.*2G>C on transcript NM_024665.7 (MANE Select); 2 bases downstream of the stop codon, G replaced by C.
Molecular consequence: 3 prime UTR variant.
Genome position (GRCh38, 1-based): chr3:177,025,496, C>G on the plus strand (G>C on the coding strand, the complement: TBL1XR1 is on the minus strand). VCF-style: chr3-177025496-C-G. GRCh37 (hg19) VCF-style: chr3-176743284-C-G.
Other names: c.*2G>C (NM_001321193.3, NM_001321194.3, NM_001321195.3 and 4 more transcripts).
Identifiers: ClinVar variation 1691179 (VCV001691179.2), dbSNP rs746182305, ClinGen allele CA2573136757.

ClinVar aggregate classification (germline): Uncertain significance (1 of 4 stars; one submission).

Submission:

GeneDx
Classification: Uncertain significance. Last evaluated: 2021-12-01. Review status: criteria provided, single submitter. Criteria: GeneDx Variant Classification Process June 2021. Collection method: clinical testing. Allele origin: germline. Affected: yes.
Comment: Variant is located in the 3' untranslated region of the gene; Not observed at significant frequency in large population cohorts (gnomAD); Has not been previously published as pathogenic or benign to our knowledge